The following is an entry in ClinVar:

NC_000005.9:g.(?_7875361)_(7875498_?)del

Gene: MTRR (5-methyltetrahydrofolate-homocysteine methyltransferase reductase; plus strand). Cytogenetic location: 5p15.31.
Variant type: Deletion.
Identifiers: ClinVar variation 2424451 (VCV002424451.5).

ClinVar aggregate classification (germline): Pathogenic (1 of 4 stars; one submission).

Conditions:
Methylcobalamin deficiency type cblE (HMAE). Also called: HOMOCYSTINURIA-MEGALOBLASTIC ANEMIA, cblE COMPLEMENTATION TYPE; HOMOCYSTINURIA-MEGALOBLASTIC ANEMIA, cblE TYPE; VITAMIN B12-RESPONSIVE HOMOCYSTINURIA, cblE TYPE. Identifiers: Orphanet 2169, Orphanet 622, MedGen C1856057, MONDO:0009354, OMIM 236270.

Submission:

Labcorp Genetics (formerly Invitae), Labcorp
Classification: Pathogenic for Methylcobalamin deficiency type cblE. Last evaluated: 2022-06-26. Review status: criteria provided, single submitter. Criteria: Invitae Variant Classification Sherloc (09022015). Collection method: clinical testing. Allele origin: germline.
Comment: For these reasons, this variant has been classified as Pathogenic. This variant has not been reported in the literature in individuals affected with MTRR-related conditions. This variant is a gross deletion of the genomic region encompassing exon(s) 4 of the MTRR gene. This deletion is out-of-frame, and is expected to create a premature termination codon and result in an absent or disrupted protein product. Loss-of-function variants in MTRR are known to be pathogenic (PMID: 15714522).

Literature cited by the submitters: PubMed 15714522.